The following is an entry in ClinVar:

NM_000059.4(BRCA2):c.7538del (p.Ala2513fs)

Gene: BRCA2 (BRCA2 DNA repair associated; plus strand). Cytogenetic location: 13q13.1.
Variant type: Deletion.
Coding change: c.7538del on transcript NM_000059.4 (MANE Select); coding-DNA position 7538, one base deleted (C; older notation c.7538delC).
Protein change: p.Ala2513fs; shifts the reading frame from alanine 2513.
Molecular consequence: frameshift variant.
Genome position (GRCh38, 1-based): chr13:32,356,530, C deleted. VCF-style (leftmost placement, unchanged base first): chr13-32356529-GC-G. GRCh37 (hg19) VCF-style: chr13-32930666-GC-G.
Other names: 7766delC; c.7538delC (NM_000059.3).
Identifiers: ClinVar variation 52350 (VCV000052350.11), dbSNP rs397507919, ClinGen allele CA025137.

ClinVar aggregate classification (germline): Pathogenic. Review status: reviewed by expert panel (3 of 4 stars). 3 submissions from 3 submitters: Pathogenic (1). 2 of the submissions do not count toward it. Last evaluated 2016-10-18.

Conditions:
Hereditary cancer-predisposing syndrome. Also called: Neoplastic Syndromes, Hereditary; Tumor predisposition; Hereditary neoplastic syndrome; Hereditary Cancer Syndrome. Identifiers: Orphanet 140162, MedGen C0027672, MeSH D009386, MONDO:0015356.
Breast-ovarian cancer, familial, susceptibility to, 2 (BROVCA2). Also called: BRCA2 Hereditary Breast and Ovarian Cancer. Identifiers: Orphanet 145, MedGen C2675520, MONDO:0012933, OMIM 612555. Disease mechanism: loss of function.

Submissions (3):

Evidence-based Network for the Interpretation of Germline Mutant Alleles (ENIGMA)
Classification: Pathogenic for Breast-ovarian cancer, familial, susceptibility to, 2. Last evaluated: 2016-10-18. Review status: reviewed by expert panel. Criteria: ENIGMA BRCA1/2 Classification Criteria (2015). Collection method: curation. Allele origin: germline.
Comment: Variant allele predicted to encode a truncated non-functional protein.

Ambry Genetics
Classification: Pathogenic for Hereditary cancer-predisposing syndrome. Last evaluated: 2022-09-26. Review status: criteria provided, single submitter. Criteria: Ambry Variant Classification Scheme 2023. Collection method: clinical testing. Allele origin: germline. Not counted in ClinVar's aggregate classification.
Comment: The c.7538delC pathogenic mutation, located in coding exon 14 of the BRCA2 gene, results from a deletion of one nucleotide at nucleotide position 7538, causing a translational frameshift with a predicted alternate stop codon (p.A2513Efs*11). In addition to the clinical data presented in the literature, this alteration is expected to result in loss of function by premature protein truncation or nonsense-mediated mRNA decay. As such, this alteration is interpreted as a disease-causing mutation.

Consortium of Investigators of Modifiers of BRCA1/2 (CIMBA), c/o University of Cambridge
Classification: Pathogenic for Breast-ovarian cancer, familial, susceptibility to, 2. Last evaluated: 2015-10-02. Review status: criteria provided, single submitter. Criteria: CIMBA Mutation Classification guidelines May 2016. Collection method: clinical testing. Allele origin: germline. Not counted in ClinVar's aggregate classification.

Literature cited by the submitters: PubMed 22798144 (cited by Ambry Genetics); PubMed 25863477 (cited by Ambry Genetics).